The following is an entry in ClinVar:

ClinVar aggregate classification (germline): Uncertain significance. Review status: criteria provided, multiple submitters, no conflicts (2 of 4 stars). 3 submissions from 3 submitters: Uncertain significance (3). Last evaluated 2025-05-29.

Conditions:
Bethlem myopathy 1A. Also called: Bethlem myopathy 1; MYOPATHY, BENIGN CONGENITAL, WITH CONTRACTURES; Bethlem Muscular Dystrophy. Identifiers: Orphanet 610, MedGen CN029274, MONDO:0024530, OMIM 158810.

Allele frequency attached by ClinVar (database versions not stated): gnomAD 0.00001 and 0.00002; gnomAD exomes 0.00001; ExAC 0.00002; TOPMed 0.00002; 1000 Genomes Project 30x 0.00016; 1000 Genomes Project 0.00020.
gnomAD v4.1: 29 of 1,614,214 alleles (0.0018%); highest among the groups gnomAD compares: East Asian, 0.02%; no homozygotes.

Submissions (3):

Labcorp Genetics (formerly Invitae), Labcorp
Classification: Uncertain significance for Bethlem myopathy 1A. Last evaluated: 2025-05-29. Review status: criteria provided, single submitter. Criteria: Invitae Variant Classification Sherloc (09022015). Collection method: clinical testing. Allele origin: germline.
Comment: This sequence change replaces arginine, which is basic and polar, with histidine, which is basic and polar, at codon 1535 of the COL6A3 protein (p.Arg1535His). This variant is present in population databases (rs115765346, gnomAD 0.02%). This missense change has been observed in individual(s) with clinical features of COL6A3-related conditions (PMID: 33964895, 38693247). This variant is also known as p.Arg928His. ClinVar contains an entry for this variant (Variation ID: 580607). Invitae Evidence Modeling of protein sequence and biophysical properties (such as structural, functional, and spatial information, amino acid conservation, physicochemical variation, residue mobility, and thermodynamic stability) indicates that this missense variant is expected to disrupt COL6A3 protein function with a positive predictive value of 80%. In summary, the available evidence is currently insufficient to determine the role of this variant in disease. Therefore, it has been classified as a Variant of Uncertain Significance.

GeneDx
Classification: Uncertain significance. Last evaluated: 2020-02-03. Review status: criteria provided, single submitter. Criteria: GeneDx Variant Classification Process June 2021. Collection method: clinical testing. Allele origin: germline. Affected: yes.
Comment: In silico analysis supports that this missense variant has a deleterious effect on protein structure/function; Has not been previously published as pathogenic or benign to our knowledge

Breakthrough Genomics
Classification: Uncertain significance. Review status: criteria provided, single submitter. Criteria: ACMG Guidelines, 2015. Collection method: not provided. Allele origin: germline. Inheritance: Autosomal recessive inheritance. Affected: yes.

Literature cited by the submitters: PubMed 33964895 (cited by Labcorp Genetics (formerly Invitae), Labcorp); PubMed 38693247 (cited by Labcorp Genetics (formerly Invitae), Labcorp).

NM_004369.4(COL6A3):c.4604G>A (p.Arg1535His)

Gene: COL6A3 (collagen type VI alpha 3 chain; minus strand). Cytogenetic location: 2q37.3.
Variant type: single nucleotide variant.
Coding change: c.4604G>A on transcript NM_004369.4 (MANE Select); coding-DNA position 4604, G replaced by A.
Protein change: p.Arg1535His; replaces arginine 1535 with histidine.
Molecular consequence: missense variant.
Genome position (GRCh38, 1-based): chr2:237,368,859, C>T on the plus strand (G>A on the coding strand, the complement: COL6A3 is on the minus strand). VCF-style: chr2-237368859-C-T. GRCh37 (hg19) VCF-style: chr2-238277502-C-T.
Other names: c.2783G>A, p.Arg928His (NM_057166.5); c.3986G>A, p.Arg1329His (NM_057167.4); short protein forms R1535H, R1329H, R928H.
Identifiers: ClinVar variation 580607 (VCV000580607.14), dbSNP rs115765346, ClinGen allele CA2188854.